The following is an entry in ClinVar:

NM_000501.4(ELN):c.68C>T (p.Pro23Leu)

Gene: ELN (elastin; plus strand). Cytogenetic location: 7q11.23.
Variant type: single nucleotide variant.
Coding change: c.68C>T on transcript NM_000501.4 (MANE Select); coding-DNA position 68, C replaced by T.
Protein change: p.Pro23Leu; replaces proline 23 with leucine.
Molecular consequence: missense variant.
Genome position (GRCh38, 1-based): chr7:74,028,255, C>T. VCF-style: chr7-74028255-C-T. GRCh37 (hg19) VCF-style: chr7-73442585-C-T.
Other names: c.68C>T, p.Pro23Leu (NM_001081752.3, NM_001081753.3, NM_001081754.3 and 9 more transcripts); short protein forms P23L.
Identifiers: ClinVar variation 3365376 (VCV003365376.1).

ClinVar aggregate classification (germline): Uncertain significance (1 of 4 stars; one submission).

Submission:

GeneDx
Classification: Uncertain significance. Last evaluated: 2023-12-04. Review status: criteria provided, single submitter. Criteria: GeneDx Variant Classification Process June 2021. Collection method: clinical testing. Allele origin: germline. Affected: yes.
Comment: Has not been previously published as pathogenic or benign to our knowledge; Not observed at significant frequency in large population cohorts (gnomAD); In silico analysis supports that this missense variant has a deleterious effect on protein structure/function